The following is an entry in ClinVar:

ClinVar aggregate classification (germline): Uncertain significance (1 of 4 stars; one submission).

Conditions:
Inborn genetic diseases. Identifiers: MedGen C0950123, MeSH D030342.

Submission:

Ambry Genetics
Classification: Uncertain significance for Inborn genetic diseases. Last evaluated: 2025-08-12. Review status: criteria provided, single submitter. Criteria: Ambry Variant Classification Scheme 2023. Collection method: clinical testing. Allele origin: germline.
Comment: The p.E995G variant (also known as c.2984A>G), located in coding exon 24 of the ANKRD26 gene, results from an A to G substitution at nucleotide position 2984. The glutamic acid at codon 995 is replaced by glycine, an amino acid with similar properties. This amino acid position is conserved. In addition, this alteration is predicted to be tolerated by in silico analysis. Based on the available evidence, the clinical significance of this variant remains unclear.

NM_014915.3(ANKRD26):c.2984A>G (p.Glu995Gly)

Gene: ANKRD26 (ankyrin repeat domain containing 26; minus strand). Cytogenetic location: 10p12.1.
Variant type: single nucleotide variant.
Coding change: c.2984A>G on transcript NM_014915.3 (MANE Select); coding-DNA position 2984, A replaced by G.
Protein change: p.Glu995Gly; replaces glutamic acid 995 with glycine.
Molecular consequence: missense variant.
Genome position (GRCh38, 1-based): chr10:27,035,466, T>C on the plus strand (A>G on the coding strand, the complement: ANKRD26 is on the minus strand). VCF-style: chr10-27035466-T-C. GRCh37 (hg19) VCF-style: chr10-27324395-T-C.
Other names: c.2981A>G, p.Glu994Gly (NM_001256053.2); short protein forms E994G, E995G.
Identifiers: ClinVar variation 4104173 (VCV004104173.1).